The following is an entry in ClinVar:

ClinVar aggregate classification (germline): Uncertain significance (1 of 4 stars; one submission).

Conditions:
Hereditary cancer-predisposing syndrome. Also called: Neoplastic Syndromes, Hereditary; Tumor predisposition; Hereditary Cancer Syndrome; Hereditary neoplastic syndrome. Identifiers: Orphanet 140162, MedGen C0027672, MeSH D009386, MONDO:0015356.

Submission:

Ambry Genetics
Classification: Uncertain significance for Hereditary cancer-predisposing syndrome. Last evaluated: 2020-04-08. Review status: criteria provided, single submitter. Criteria: Ambry Variant Classification Scheme 2023. Collection method: clinical testing. Allele origin: germline.
Comment: The c.368_369ins18 variant (also known as p.P123_V124insCLCSVP), located in coding exon 3 of the POLD1 gene, results from an in-frame 18 nucleotide insertion at nucleotide positions 368 to 369. This results in the insertion of six extra residues between codons 123 and 124. In addition, this alteration is predicted to be deleterious by in silico analysis (Choi Y et al. PLoS ONE. 2012; 7(10):e46688). Since supporting evidence is limited at this time, the clinical significance of this alteration remains unclear.

NM_002691.4(POLD1):c.368_369insGTGCCTGTGCTCCGTGCC (p.Pro123_Val124insCysLeuCysSerValPro)

Gene: POLD1 (DNA polymerase delta 1, catalytic subunit; plus strand). Cytogenetic location: 19q13.33.
Variant type: Insertion.
Coding change: c.368_369insGTGCCTGTGCTCCGTGCC on transcript NM_002691.4 (MANE Select); coding-DNA positions 368 to 369, GTGCCTGTGCTCCGTGCC inserted.
Protein change: p.Pro123_Val124insCysLeuCysSerValPro.
Molecular consequence: inframe insertion. On other transcripts: non-coding transcript variant (1).
Genome position: GRCh38 VCF-style: chr19-50401819-G-GGCTCCGTGCCGTGCCTGT. GRCh37 (hg19) VCF-style: chr19-50905076-G-GGCTCCGTGCCGTGCCTGT.
Other names: c.368_369insGTGCCTGTGCTCCGTGCC, p.Pro123_Val124insCysLeuCysSerValPro (NM_001256849.1, NM_001308632.1).
Identifiers: ClinVar variation 1733880 (VCV001733880.2), dbSNP rs2513955432, ClinGen allele CA2580097629.